The following is an entry in ClinVar:

NM_002541.4(OGDH):c.1566G>A (p.Thr522=)

Gene: OGDH (oxoglutarate dehydrogenase; plus strand). Cytogenetic location: 7p13.
Variant type: single nucleotide variant.
Coding change: c.1566G>A on transcript NM_002541.4 (MANE Select); coding-DNA position 1566, G replaced by A.
Protein change: p.Thr522=; no amino-acid change (threonine 522 retained).
Molecular consequence: synonymous variant.
Genome position (GRCh38, 1-based): chr7:44,694,474, G>A. VCF-style: chr7-44694474-G-A. GRCh37 (hg19) VCF-style: chr7-44734073-G-A.
Other names: p.Thr522=; c.1554G>A, p.Thr518= (NM_001165036.2, NM_001439009.1); c.1599G>A, p.Thr533= (NM_001363523.2); c.1611G>A, p.Thr537= (NM_001439007.1); c.1566G>A, p.Thr522= (NM_001439008.1).
Identifiers: ClinVar variation 4683264 (VCV004683264.1).
Genomic context (GRCh38, chr7:44,694,474, plus strand): 5'-CTCTGAGCAGGTGTGTTACCGGCGCAACGGCCACAACGAGATGGATGAGCCCATGTTCAC[G>A]CAGCCGCTCATGTACAAGCAGATCCGCAAGCAGAAGCCTGTGTTACAGAAGTACGCTGAG-3'
Protein context (NP_002532.2, residues 512-532): GHNEMDEPMF[Thr522=]QPLMYKQIRK

ClinVar aggregate classification (germline): Likely benign (1 of 4 stars; one submission).

gnomAD v4.1: 33 of 1,613,958 alleles (0.002%); highest among the groups gnomAD compares: Non-Finnish European, 0.0027%; no homozygotes.

Submission:

Mayo Clinic Laboratories, Mayo Clinic
Classification: Likely benign. Last evaluated: 2024-09-24. Review status: criteria provided, single submitter. Criteria: ACMG Guidelines, 2015. Collection method: clinical testing. Allele origin: germline. Observed: 2 variant alleles.
Comment: BP4, BP7